The following is an entry in ClinVar:

ClinVar aggregate classification (germline): Uncertain significance (1 of 4 stars; one submission).

Submission:

Labcorp Genetics (formerly Invitae), Labcorp
Classification: Uncertain significance. Last evaluated: 2022-02-18. Review status: criteria provided, single submitter. Criteria: Invitae Variant Classification Sherloc (09022015). Collection method: clinical testing. Allele origin: germline.
Comment: This sequence change replaces histidine, which is basic and polar, with glutamine, which is neutral and polar, at codon 2194 of the FLNB protein (p.His2194Gln). This variant is not present in population databases (gnomAD no frequency). This variant has not been reported in the literature in individuals affected with FLNB-related conditions. Advanced modeling of protein sequence and biophysical properties (such as structural, functional, and spatial information, amino acid conservation, physicochemical variation, residue mobility, and thermodynamic stability) performed at Invitae indicates that this missense variant is not expected to disrupt FLNB protein function. In summary, the available evidence is currently insufficient to determine the role of this variant in disease. Therefore, it has been classified as a Variant of Uncertain Significance.

NM_001457.4(FLNB):c.6582C>G (p.His2194Gln)

Gene: FLNB (filamin B; plus strand). Cytogenetic location: 3p14.3.
Variant type: single nucleotide variant.
Coding change: c.6582C>G on transcript NM_001457.4 (MANE Select); coding-DNA position 6582, C replaced by G.
Protein change: p.His2194Gln; replaces histidine 2194 with glutamine.
Molecular consequence: missense variant.
Genome position (GRCh38, 1-based): chr3:58,153,589, C>G. VCF-style: chr3-58153589-C-G. GRCh37 (hg19) VCF-style: chr3-58139316-C-G.
Other names: c.6675C>G, p.His2225Gln (NM_001164317.2); c.6549C>G, p.His2183Gln (NM_001164318.2); c.6510C>G, p.His2170Gln (NM_001164319.2); short protein forms H2194Q, H2225Q, H2183Q, H2170Q.
Identifiers: ClinVar variation 2097622 (VCV002097622.4), dbSNP rs2097348791, ClinGen allele CA353359671.